The following is an entry in ClinVar:

NM_001365536.1(SCN9A):c.4783C>G (p.Leu1595Val)

Genes: SCN9A (sodium voltage-gated channel alpha subunit 9; minus strand), SCN1A-AS1 (SCN1A and SCN9A antisense RNA 1; plus strand). Cytogenetic location: 2q24.3.
Variant type: single nucleotide variant.
Coding change: c.4783C>G on transcript NM_001365536.1 (MANE Select); coding-DNA position 4783, C replaced by G.
Protein change: p.Leu1595Val; replaces leucine 1595 with valine.
Molecular consequence: missense variant.
Genome position (GRCh38, 1-based): chr2:166,199,856, G>C on the plus strand (C>G on the coding strand, the complement: SCN9A is on the minus strand). VCF-style: chr2-166199856-G-C. GRCh37 (hg19) VCF-style: chr2-167056366-G-C.
Other names: c.4750C>G, p.Leu1584Val (NM_002977.4); short protein forms L1595V, L1584V.
Identifiers: ClinVar variation 2093801 (VCV002093801.4), dbSNP rs2468879807, ClinGen allele CA349055946.

ClinVar aggregate classification (germline): Uncertain significance (1 of 4 stars; one submission).

Conditions:
Generalized epilepsy with febrile seizures plus, type 7 (GEFSP7). Also called: GEFS+, TYPE 7. Identifiers: Orphanet 36387, MedGen C2751778, MONDO:0013470, OMIM 613863.
Neuropathy, hereditary sensory and autonomic, type 2A (HSAN2A). Also called: ACROOSTEOLYSIS, GIACCAI TYPE; ACROOSTEOLYSIS, NEUROGENIC; HSAN IIA; MORVAN DISEASE; NEUROPATHY, CONGENITAL SENSORY; NEUROPATHY, HEREDITARY SENSORY RADICULAR, AUTOSOMAL RECESSIVE. Identifiers: Orphanet 970, MedGen C2752089, MONDO:0024309, OMIM 201300.

gnomAD v4.1: 3 of 1,612,414 alleles (0.00019%); highest among the groups gnomAD compares: Non-Finnish European, 0.00025%; no homozygotes.

Submission:

Labcorp Genetics (formerly Invitae), Labcorp
Classification: Uncertain significance for Neuropathy, hereditary sensory and autonomic, type 2A; Generalized epilepsy with febrile seizures plus, type 7. Last evaluated: 2025-02-15. Review status: criteria provided, single submitter. Criteria: Invitae Variant Classification Sherloc (09022015). Collection method: clinical testing. Allele origin: germline.
Comment: This sequence change replaces leucine, which is neutral and non-polar, with valine, which is neutral and non-polar, at codon 1584 of the SCN9A protein (p.Leu1584Val). This variant is not present in population databases (gnomAD no frequency). This variant has not been reported in the literature in individuals affected with SCN9A-related conditions. ClinVar contains an entry for this variant (Variation ID: 2093801). Invitae Evidence Modeling of protein sequence and biophysical properties (such as structural, functional, and spatial information, amino acid conservation, physicochemical variation, residue mobility, and thermodynamic stability) indicates that this missense variant is not expected to disrupt SCN9A protein function with a negative predictive value of 95%. In summary, the available evidence is currently insufficient to determine the role of this variant in disease. Therefore, it has been classified as a Variant of Uncertain Significance.